The following is an entry in ClinVar:

NM_000179.3(MSH6):c.859A>T (p.Ser287Cys)

Gene: MSH6 (mutS homolog 6; plus strand). Cytogenetic location: 2p16.3.
Variant type: single nucleotide variant.
Coding change: c.859A>T on transcript NM_000179.3 (MANE Select); coding-DNA position 859, A replaced by T.
Protein change: p.Ser287Cys; replaces serine 287 with cysteine.
Molecular consequence: missense variant. On other transcripts: 5 prime UTR variant (2).
Genome position (GRCh38, 1-based): chr2:47,798,842, A>T. VCF-style: chr2-47798842-A-T. GRCh37 (hg19) VCF-style: chr2-48025981-A-T.
Other names: c.469A>T, p.Ser157Cys (NM_001281492.2); c.-48A>T (NM_001281493.2, NM_001281494.2); short protein forms S287C, S157C.
Identifiers: ClinVar variation 232696 (VCV000232696.5), dbSNP rs876659930, ClinGen allele CA10578048.

ClinVar aggregate classification (germline): Uncertain significance (1 of 4 stars; one submission).

Conditions:
Hereditary cancer-predisposing syndrome. Also called: Neoplastic Syndromes, Hereditary; Tumor predisposition; Hereditary Cancer Syndrome; Hereditary neoplastic syndrome. Identifiers: Orphanet 140162, MedGen C0027672, MeSH D009386, MONDO:0015356.

Submission:

Ambry Genetics
Classification: Uncertain significance for Hereditary cancer-predisposing syndrome. Last evaluated: 2020-04-07. Review status: criteria provided, single submitter. Criteria: Ambry Variant Classification Scheme 2023. Collection method: clinical testing. Allele origin: germline.
Comment: The p.S287C variant (also known as c.859A>T), located in coding exon 4 of the MSH6 gene, results from an A to T substitution at nucleotide position 859. The serine at codon 287 is replaced by cysteine, an amino acid with dissimilar properties. This amino acid position is not well conserved in available vertebrate species. In addition, the in silico prediction for this alteration is inconclusive. Since supporting evidence is limited at this time, the clinical significance of this alteration remains unclear.